The following is an entry in ClinVar:

NM_000642.3(AGL):c.3003C>A (p.Tyr1001Ter)

Gene: AGL (amylo-alpha-1,6-glucosidase and 4-alpha-glucanotransferase; plus strand). Cytogenetic location: 1p21.2.
Variant type: single nucleotide variant.
Coding change: c.3003C>A on transcript NM_000642.3 (MANE Select); coding-DNA position 3003, C replaced by A.
Protein change: p.Tyr1001Ter; replaces tyrosine 1001 with a stop codon.
Molecular consequence: nonsense.
Genome position (GRCh38, 1-based): chr1:99,891,659, C>A. VCF-style: chr1-99891659-C-A. GRCh37 (hg19) VCF-style: chr1-100357215-C-A.
Other names: c.3003C>A, p.Tyr1001Ter (NM_000028.3, NM_000643.3, NM_000644.3 and 1 more transcripts); c.2955C>A, p.Tyr985Ter (NM_000646.3); c.2982C>A, p.Tyr994Ter (NM_001425326.1); c.2802C>A, p.Tyr934Ter (NM_001425327.1); c.2799C>A, p.Tyr933Ter (NM_001425328.1); c.2664C>A, p.Tyr888Ter (NM_001425329.1); c.2625C>A, p.Tyr875Ter (NM_001425332.1); short protein forms Y888*, Y985*, Y875*, Y1001*, Y933*, Y934*, Y994*.
Identifiers: ClinVar variation 2817560 (VCV002817560.3), dbSNP rs2524724346, ClinGen allele CA341325955.
Genomic context (GRCh38, chr1:99,891,659, plus strand): 5'-ATTACAGGTTGGTAAATGGTTGCAGGCTATGTTCTTCTACCTGAAGCAGATCCCACGTTA[C>A]CTTATCCCATGTTACTTTGATGCTATATTAATTGGTGCATATACCACTCTTCTGGATACA-3'

ClinVar aggregate classification (germline): Pathogenic (1 of 4 stars; one submission).

Conditions:
Glycogen storage disease type III (GSD3). Also called: Cori disease; FORBES DISEASE. Identifiers: Orphanet 366, MedGen C0017922, MONDO:0009291, OMIM 232400.

Submission:

Labcorp Genetics (formerly Invitae), Labcorp
Classification: Pathogenic for Glycogen storage disease type III. Last evaluated: 2022-12-05. Review status: criteria provided, single submitter. Criteria: Invitae Variant Classification Sherloc (09022015). Collection method: clinical testing. Allele origin: germline.
Comment: For these reasons, this variant has been classified as Pathogenic. This variant has not been reported in the literature in individuals affected with AGL-related conditions. This variant is not present in population databases (gnomAD no frequency). This sequence change creates a premature translational stop signal (p.Tyr1001*) in the AGL gene. It is expected to result in an absent or disrupted protein product. Loss-of-function variants in AGL are known to be pathogenic (PMID: 19299494).

Literature cited by the submitters: PubMed 19299494.